The following is an entry in ClinVar:

ClinVar aggregate classification (germline): Conflicting classifications of pathogenicity. Review status: criteria provided, conflicting classifications (1 of 4 stars). 5 submissions from 5 submitters: Uncertain significance (1); Benign (1); Likely benign (3). Last evaluated 2026-01-28.

Conditions:
CCDC88C-related disorder. Also called: CCDC88C-related condition; CCDC88C-Related Disorders.

Allele frequency attached by ClinVar (database versions not stated): TOPMed 0.00091; gnomAD 0.00099 and 0.00102; gnomAD exomes 0.00105; ESP Exome Variant Server 0.00117; ExAC 0.00210.
gnomAD v4.1: 2,225 of 1,569,610 alleles (0.14%); highest among the groups gnomAD compares: Non-Finnish European, 0.18%; 4 homozygotes.

Submissions (5):

Labcorp Genetics (formerly Invitae), Labcorp
Classification: Benign. Last evaluated: 2026-01-28. Review status: criteria provided, single submitter. Criteria: Invitae Variant Classification Sherloc (09022015). Collection method: clinical testing. Allele origin: germline.

PreventionGenetics, part of Exact Sciences
Classification: Likely benign for CCDC88C-related condition. Last evaluated: 2024-12-21. Review status: criteria provided, single submitter. Criteria: ACMG Guidelines, 2015. Collection method: clinical testing. Allele origin: germline.
Comment: This variant is classified as likely benign based on ACMG/AMP sequence variant interpretation guidelines (Richards et al. 2015 PMID: 25741868, with internal and published modifications).

CeGaT Center for Human Genetics Tuebingen
Classification: Likely benign. Last evaluated: 2024-12-01. Review status: criteria provided, single submitter. Criteria: CeGaT Center For Human Genetics Tuebingen Variant Classification Criteria Version 2. Collection method: clinical testing. Allele origin: germline. Affected: yes. Observed: 1 variant allele.
Comment: CCDC88C: BP4

Blueprint Genetics
Classification: Likely benign. Last evaluated: 2024-11-26. Review status: criteria provided, single submitter. Criteria: ACMG Guidelines, 2015. Collection method: clinical testing. Allele origin: germline.

Mayo Clinic Laboratories, Mayo Clinic
Classification: Uncertain significance. Last evaluated: 2023-07-19. Review status: criteria provided, single submitter. Criteria: ACMG Guidelines, 2015. Collection method: clinical testing. Allele origin: germline. Observed: 2 variant alleles.
Comment: BS1

NM_001080414.4(CCDC88C):c.483+8C>T

Gene: CCDC88C (coiled-coil and HOOK domain protein 88C; minus strand). Cytogenetic location: 14q32.11.
Variant type: single nucleotide variant.
Coding change: c.483+8C>T on transcript NM_001080414.4 (MANE Select); 8 bases into the intron after coding-DNA position 483, C replaced by T.
Molecular consequence: intron variant.
Genome position (GRCh38, 1-based): chr14:91,342,372, G>A on the plus strand (C>T on the coding strand, the complement: CCDC88C is on the minus strand). VCF-style: chr14-91342372-G-A. GRCh37 (hg19) VCF-style: chr14-91808716-G-A.
Other names: p.?.
Identifiers: ClinVar variation 723630 (VCV000723630.24), dbSNP rs201193446, ClinGen allele CA7310242.